The following is an entry in ClinVar:

ClinVar aggregate classification (germline): Likely benign (0 of 4 stars; one submission).

Conditions:
PLXNA2-related disorder. Also called: PLXNA2-related condition.

Allele frequency attached by ClinVar (database versions not stated): gnomAD 0.00003; TOPMed 0.00004.
gnomAD v4.1: 77 of 1,613,826 alleles (0.0048%); highest among the groups gnomAD compares: Non-Finnish European, 0.0056%; no homozygotes.

Submission:

PreventionGenetics, part of Exact Sciences
Classification: Likely benign for PLXNA2-related condition. Last evaluated: 2023-08-10. Review status: no assertion criteria provided. Collection method: clinical testing. Allele origin: germline.
Comment: This variant is classified as likely benign based on ACMG/AMP sequence variant interpretation guidelines (Richards et al. 2015 PMID: 25741868, with internal and published modifications).

NM_025179.4(PLXNA2):c.3666G>A (p.Ser1222=)

Gene: PLXNA2 (plexin A2; minus strand). Cytogenetic location: 1q32.2.
Variant type: single nucleotide variant.
Coding change: c.3666G>A on transcript NM_025179.4 (MANE Select); coding-DNA position 3666, G replaced by A.
Protein change: p.Ser1222=; no amino-acid change (serine 1222 retained).
Molecular consequence: synonymous variant.
Genome position (GRCh38, 1-based): chr1:208,044,716, C>T on the plus strand (G>A on the coding strand, the complement: PLXNA2 is on the minus strand). VCF-style: chr1-208044716-C-T. GRCh37 (hg19) VCF-style: chr1-208218061-C-T.
Identifiers: ClinVar variation 3054984 (VCV003054984.2), dbSNP rs748634091, ClinGen allele CA1373098.